The following is an entry in ClinVar:

ClinVar aggregate classification (germline): Pathogenic. Review status: criteria provided, multiple submitters, no conflicts (2 of 4 stars). 4 submissions from 4 submitters: Pathogenic (4). Last evaluated 2024-10-07.

Conditions:
Classic or attenuated familial adenomatous polyposis. Identifiers: MedGen CN372698, MONDO:0021057.
Hereditary cancer-predisposing syndrome. Also called: Tumor predisposition; Hereditary neoplastic syndrome; Neoplastic Syndromes, Hereditary; Hereditary Cancer Syndrome. Identifiers: Orphanet 140162, MedGen C0027672, MeSH D009386, MONDO:0015356.
Familial adenomatous polyposis 1 (FAP1). Also called: POLYPOSIS, ADENOMATOUS INTESTINAL; FAMILIAL ADENOMATOUS POLYPOSIS 1, ATTENUATED. Identifiers: MedGen C2713442, MONDO:0021056, OMIM 175100. Disease mechanism: loss of function.

Submissions (4):

Ambry Genetics
Classification: Pathogenic for Hereditary cancer-predisposing syndrome. Last evaluated: 2024-10-07. Review status: criteria provided, single submitter. Criteria: Ambry Variant Classification Scheme 2023. Collection method: clinical testing. Allele origin: germline.
Comment: The c.3189_3192delTGAG pathogenic mutation, located in coding exon 15 of the APC gene, results from a deletion of 4 nucleotides at nucleotide positions 3189 to 3192, causing a translational frameshift with a predicted alternate stop codon (p.E1064Kfs*61). This variant was reported in multiple individuals with features consistent with APC-associated polyposis conditions (Ambry internal data; Fostira F et al. BMC Cancer, 2010 Jul;10:389). This alteration was also identified in an individual diagnosed with a medulloblastoma (Surun A et al. Neuro Oncol, 2020 Jan;22:128-138). This alteration occurs at the 3' terminus of theAPC gene, is not expected to trigger nonsense-mediated mRNA decay, and impacts the last 62% of the protein. However, premature stop codons are typically deleterious in nature and a significant portion of the protein is affected (Ambry internal data). This variant is considered to be rare based on population cohorts in the Genome Aggregation Database (gnomAD). Based on the supporting evidence, this variant is interpreted as a disease-causing mutation.

Myriad Genetics, Inc.
Classification: Pathogenic for Familial adenomatous polyposis 1. Last evaluated: 2023-05-08. Review status: criteria provided, single submitter. Criteria: Myriad Autosomal Dominant, Autosomal Recessive and X-Linked Classification Criteria (2023). Collection method: clinical testing. Allele origin: unknown.
Comment: This variant is considered pathogenic. This variant creates a frameshift predicted to result in premature protein truncation.

Labcorp Genetics (formerly Invitae), Labcorp
Classification: Pathogenic for Familial adenomatous polyposis 1. Last evaluated: 2021-12-11. Review status: criteria provided, single submitter. Criteria: Invitae Variant Classification Sherloc (09022015). Collection method: clinical testing. Allele origin: germline.
Comment: For these reasons, this variant has been classified as Pathogenic. A different truncation (p.Tyr2645Lysfs*14) that lies downstream of this variant has been determined to be pathogenic (PMID: 9824584, 1316610, 27081525, 8381579, 22135120, Invitae). This suggests that deletion of this region of the APC protein is causative of disease. This variant is expected to disrupt the EB1 and HDLG binding sites, which mediate interactions with the cytoskeleton (PMID: 15311282, 17293347). While functional studies have not been performed to directly test the effect on APC protein function, this suggests that disruption of the C-terminal portion of the protein is functionally important. ClinVar contains an entry for this variant (Variation ID: 664591). This premature translational stop signal has been observed in individuals with familial adenomatous polyposis (FAP) and medulloblastoma (PMID: 8390900, 20649969, 20685668, 31504825). This variant is not present in population databases (gnomAD no frequency). This sequence change creates a premature translational stop signal (p.Glu1064Lysfs*61) in the APC gene. While this is not anticipated to result in nonsense mediated decay, it is expected to disrupt the last 1780 amino acid(s) of the APC protein.

Department of Pathology and Laboratory Medicine, Sinai Health System
Classification: Pathogenic for classic or attenuated familial adenomatous polyposis. Last evaluated: 2020-06-02. Review status: criteria provided, single submitter. Criteria: ACMG Guidelines, 2015. Collection method: clinical testing. Allele origin: germline.

Literature cited by the submitters: PubMed 20649969 (cited by 3 submitters); PubMed 31504825 (cited by Ambry Genetics and Labcorp Genetics (formerly Invitae), Labcorp); PubMed 9824584 (cited by Labcorp Genetics (formerly Invitae), Labcorp); PubMed 1316610 (cited by Labcorp Genetics (formerly Invitae), Labcorp); PubMed 27081525 (cited by Labcorp Genetics (formerly Invitae), Labcorp); PubMed 8381579 (cited by Labcorp Genetics (formerly Invitae), Labcorp); PubMed 22135120 (cited by Labcorp Genetics (formerly Invitae), Labcorp); PubMed 15311282 (cited by Labcorp Genetics (formerly Invitae), Labcorp); PubMed 17293347 (cited by Labcorp Genetics (formerly Invitae), Labcorp); PubMed 8390900 (cited by Labcorp Genetics (formerly Invitae), Labcorp and Department of Pathology and Laboratory Medicine, Sinai Health System); PubMed 20685668 (cited by Labcorp Genetics (formerly Invitae), Labcorp and Department of Pathology and Laboratory Medicine, Sinai Health System).

NM_000038.6(APC):c.3189_3192del (p.Glu1064fs)

Gene: APC (APC regulator of Wnt signaling pathway; plus strand). Cytogenetic location: 5q22.2.
Variant type: Deletion.
Coding change: c.3189_3192del on transcript NM_000038.6 (MANE Select); coding-DNA positions 3189 to 3192, 4 bases deleted (TGAG; older notation c.3189_3192delTGAG).
Protein change: p.Glu1064fs; shifts the reading frame from glutamic acid 1064.
Molecular consequence: frameshift variant.
Genome position (GRCh38, 1-based): chr5:112,838,783-112,838,786, TGAG deleted; deleting any 4 consecutive bases within chr5:112,838,781-112,838,786 gives the same sequence; the c. name uses the placement nearest the transcript's 3' end. VCF-style (leftmost placement, unchanged base first): chr5-112838780-AAGTG-A. GRCh37 (hg19) VCF-style: chr5-112174477-AAGTG-A.
Other names: c.3189_3192del, p.Glu1064fs (NM_001127510.3, NM_001354895.2); c.3135_3138del, p.Glu1046fs (NM_001127511.3); c.3243_3246del, p.Glu1082fs (NM_001354896.2); c.3219_3222del, p.Glu1074fs (NM_001354897.2); c.3114_3117del, p.Glu1039fs (NM_001354898.2); c.3105_3108del, p.Glu1036fs (NM_001354899.2); c.3066_3069del, p.Glu1023fs (NM_001354900.2); c.3012_3015del, p.Glu1005fs (NM_001354901.2); and 5 more; short protein forms E1036fs, E1082fs, E963fs, E973fs, E1005fs, E1039fs, E1046fs, E1074fs.
Identifiers: ClinVar variation 664591 (VCV000664591.11), dbSNP rs1580632210, ClinGen allele CA658760886.